The following is an entry in ClinVar:

ClinVar aggregate classification (germline): Uncertain significance (0 of 4 stars; one submission).

Conditions:
LEPR-related disorder. Also called: LEPR-related condition; LEPR-related disorders.

Submission:

PreventionGenetics, part of Exact Sciences
Classification: Uncertain significance for LEPR-related condition. Last evaluated: 2024-08-23. Review status: no assertion criteria provided. Collection method: clinical testing. Allele origin: germline.
Comment: The LEPR c.587G>A variant is predicted to result in the amino acid substitution p.Cys196Tyr. To our knowledge, this variant has not been reported in the literature or in a large population database, indicating this variant is rare. At this time, the clinical significance of this variant is uncertain due to the absence of conclusive functional and genetic evidence.

NM_002303.6(LEPR):c.587G>A (p.Cys196Tyr)

Gene: LEPR (leptin receptor; plus strand). Cytogenetic location: 1p31.3.
Variant type: single nucleotide variant.
Coding change: c.587G>A on transcript NM_002303.6 (MANE Select); coding-DNA position 587, G replaced by A.
Protein change: p.Cys196Tyr; replaces cysteine 196 with tyrosine.
Molecular consequence: missense variant.
Genome position (GRCh38, 1-based): chr1:65,592,749, G>A. VCF-style: chr1-65592749-G-A. GRCh37 (hg19) VCF-style: chr1-66058432-G-A.
Other names: c.587G>A, p.Cys196Tyr (NM_001003679.3, NM_001003680.3, NM_001198687.2 and 2 more transcripts); short protein forms C196Y.
Identifiers: ClinVar variation 3358384 (VCV003358384.1).